The following is an entry in ClinVar:

NM_002474.3(MYH11):c.3671A>G (p.Lys1224Arg)

Gene: MYH11 (myosin heavy chain 11; minus strand). Cytogenetic location: 16p13.11.
Variant type: single nucleotide variant.
Coding change: c.3671A>G on transcript NM_002474.3 (MANE Select); coding-DNA position 3671, A replaced by G.
Protein change: p.Lys1224Arg; replaces lysine 1224 with arginine.
Molecular consequence: missense variant.
Genome position (GRCh38, 1-based): chr16:15,727,035, T>C on the plus strand (A>G on the coding strand, the complement: MYH11 is on the minus strand). VCF-style: chr16-15727035-T-C. GRCh37 (hg19) VCF-style: chr16-15820892-T-C.
Other names: c.3692A>G, p.Lys1231Arg (NM_001040113.2, NM_001040114.2); c.3671A>G, p.Lys1224Arg (NM_022844.3); short protein forms K1224R, K1231R.
Identifiers: ClinVar variation 3073772 (VCV003073772.3), dbSNP rs2506156626, ClinGen allele CA394860303.

ClinVar aggregate classification (germline): Uncertain significance. Review status: criteria provided, multiple submitters, no conflicts (2 of 4 stars). 3 submissions from 3 submitters: Uncertain significance (3). Last evaluated 2025-08-25.

Conditions:
Familial thoracic aortic aneurysm and aortic dissection (TAAD). Also called: Thoracic aortic aneurysms and dissections. Identifiers: Orphanet 91387, MedGen C4707243, MONDO:0019625.

Submissions (3):

Color Diagnostics, LLC DBA Color Health
Classification: Uncertain significance for Familial thoracic aortic aneurysm and aortic dissection. Last evaluated: 2025-08-25. Review status: criteria provided, single submitter. Criteria: ACMG Guidelines, 2015. Collection method: clinical testing. Allele origin: germline.
Comment: This missense variant replaces lysine with arginine at codon 1231 of the MYH11 protein. Computational prediction suggests that this variant may have deleterious impact on protein structure and function. To our knowledge, functional studies have not been reported for this variant. This variant has not been reported in individuals affected with MYH11-related disorders in the literature. This variant has not been identified in the general population by the Genome Aggregation Database (gnomAD). The available evidence is insufficient to determine the role of this variant in disease conclusively. Therefore, this variant is classified as a Variant of Uncertain Significance.

Ambry Genetics
Classification: Uncertain significance for Familial thoracic aortic aneurysm and aortic dissection. Last evaluated: 2024-03-21. Review status: criteria provided, single submitter. Criteria: Ambry Variant Classification Scheme 2023. Collection method: clinical testing. Allele origin: germline.
Comment: The p.K1224R variant (also known as c.3671A>G), located in coding exon 27 of the MYH11 gene, results from an A to G substitution at nucleotide position 3671. The lysine at codon 1224 is replaced by arginine, an amino acid with highly similar properties. This amino acid position is conserved. In addition, the in silico prediction for this alteration is inconclusive. Based on the available evidence, the clinical significance of this alteration remains unclear.

All of Us Research Program, National Institutes of Health
Classification: Uncertain significance for Familial thoracic aortic aneurysm and aortic dissection. Last evaluated: 2023-10-06. Review status: criteria provided, single submitter. Criteria: ACMG Guidelines, 2015. Collection method: clinical testing. Allele origin: germline. Inheritance: Autosomal dominant inheritance. Observed: 1 variant allele, 1 heterozygote.
Comment: This missense variant replaces lysine with arginine at codon 1231 of the MYH11 protein. Computational prediction suggests that this variant may have deleterious impact on protein structure and function (internally defined REVEL score threshold >= 0.7, PMID: 27666373). To our knowledge, functional studies have not been reported for this variant. This variant has not been reported in individuals affected with MYH11-related disorders in the literature. This variant has not been identified in the general population by the Genome Aggregation Database (gnomAD). The available evidence is insufficient to determine the role of this variant in disease conclusively. Therefore, this variant is classified as a Variant of Uncertain Significance.

This study involves interpretation of variants in research participants for the purpose of population health screening. Participant phenotype was not available at the time of variant classification. Additional details can be found in publication PMID: 35346344, PMCID: PMC8962531